The following is an entry in ClinVar:

NM_003489.4(NRIP1):c.358G>T (p.Val120Phe)

Gene: NRIP1 (nuclear receptor interacting protein 1; minus strand). Cytogenetic location: 21q11.2.
Variant type: single nucleotide variant.
Coding change: c.358G>T on transcript NM_003489.4 (MANE Select); coding-DNA position 358, G replaced by T.
Protein change: p.Val120Phe; replaces valine 120 with phenylalanine.
Molecular consequence: missense variant.
Genome position (GRCh38, 1-based): chr21:14,967,835, C>A on the plus strand (G>T on the coding strand, the complement: NRIP1 is on the minus strand). VCF-style: chr21-14967835-C-A. GRCh37 (hg19) VCF-style: chr21-16340156-C-A.
Other names: short protein forms V120F.
Identifiers: ClinVar variation 2899468 (VCV002899468.3), dbSNP rs2516295945, ClinGen allele CA409832475.

ClinVar aggregate classification (germline): Uncertain significance (1 of 4 stars; one submission).

gnomAD v4.1: 1 of 1,614,006 alleles (0.000062%); no homozygotes.

Submission:

Labcorp Genetics (formerly Invitae), Labcorp
Classification: Uncertain significance. Last evaluated: 2023-06-14. Review status: criteria provided, single submitter. Criteria: Invitae Variant Classification Sherloc (09022015). Collection method: clinical testing. Allele origin: germline.
Comment: In summary, the available evidence is currently insufficient to determine the role of this variant in disease. Therefore, it has been classified as a Variant of Uncertain Significance. An algorithm developed to predict the effect of missense changes on protein structure and function (PolyPhen-2) suggests that this variant is likely to be disruptive. This variant has not been reported in the literature in individuals affected with NRIP1-related conditions. This variant is not present in population databases (gnomAD no frequency). This sequence change replaces valine, which is neutral and non-polar, with phenylalanine, which is neutral and non-polar, at codon 120 of the NRIP1 protein (p.Val120Phe).